The following is an entry in ClinVar:

ClinVar aggregate classification (germline): Benign/Likely benign. Review status: criteria provided, multiple submitters, no conflicts (2 of 4 stars). 5 submissions from 5 submitters: Benign (2); Likely benign (2). 1 of the submissions does not count toward it. Last evaluated 2025-12-17.

Conditions:
FBN2-related disorder. Also called: FBN2-related condition.
Familial thoracic aortic aneurysm and aortic dissection (TAAD). Also called: Thoracic aortic aneurysms and dissections. Identifiers: Orphanet 91387, MedGen C4707243, MONDO:0019625.
Congenital contractural arachnodactyly (CCA). Also called: BEALS SYNDROME; Beals-Hecht syndrome; Arthrogryposis, distal, type 9. Identifiers: Orphanet 115, MedGen C0220668, MONDO:0007363, OMIM 121050.

Allele frequency attached by ClinVar (database versions not stated): gnomAD 0.00003 and 0.00004; gnomAD exomes 0.00004 and 0.00015; TOPMed 0.00009; ExAC 0.00015; 1000 Genomes Project 30x 0.00016; 1000 Genomes Project 0.00020.
gnomAD v4.1: 69 of 1,614,168 alleles (0.0043%); highest among the groups gnomAD compares: East Asian, 0.15%; no homozygotes.

Submissions (5):

Labcorp Genetics (formerly Invitae), Labcorp
Classification: Benign for Congenital contractural arachnodactyly. Last evaluated: 2025-12-17. Review status: criteria provided, single submitter. Criteria: Invitae Variant Classification Sherloc (09022015). Collection method: clinical testing. Allele origin: germline.

Ambry Genetics
Classification: Likely benign for Familial thoracic aortic aneurysm and aortic dissection. Last evaluated: 2022-08-27. Review status: criteria provided, single submitter. Criteria: Ambry Variant Classification Scheme 2023. Collection method: clinical testing. Allele origin: germline.

Blueprint Genetics
Classification: Likely benign. Last evaluated: 2022-01-14. Review status: criteria provided, single submitter. Criteria: ACMG Guidelines, 2015. Collection method: clinical testing. Allele origin: germline.

Illumina Laboratory Services, Illumina
Classification: Benign for Congenital contractural arachnodactyly. Last evaluated: 2018-01-12. Review status: criteria provided, single submitter. Criteria: ICSL Variant Classification Criteria 13 December 2019. Collection method: clinical testing. Allele origin: germline.
Comment: This variant was observed in the ICSL laboratory as part of a predisposition screen in an ostensibly healthy population. It had not been previously curated by ICSL or reported in the Human Gene Mutation Database (HGMD: prior to June 1st, 2018), and was therefore a candidate for classification through an automated scoring system. Utilizing variant allele frequency, disease prevalence and penetrance estimates, and inheritance mode, an automated score was calculated to assess if this variant is too frequent to cause the disease. Based on the score and internal cut-off values, a variant classified as benign is not then subjected to further curation. The score for this variant resulted in a classification of benign for this disease.

PreventionGenetics, part of Exact Sciences
Classification: Likely benign for FBN2-related condition. Last evaluated: 2021-06-01. Review status: no assertion criteria provided. Collection method: clinical testing. Allele origin: germline. Not counted in ClinVar's aggregate classification.
Comment: This variant is classified as likely benign based on ACMG/AMP sequence variant interpretation guidelines (Richards et al. 2015 PMID: 25741868, with internal and published modifications).

NM_001999.4(FBN2):c.3820C>T (p.Leu1274=)

Gene: FBN2 (fibrillin 2; minus strand). Cytogenetic location: 5q23.3.
Variant type: single nucleotide variant.
Coding change: c.3820C>T on transcript NM_001999.4 (MANE Select); coding-DNA position 3820, C replaced by T.
Protein change: p.Leu1274=; no amino-acid change (leucine 1274 retained).
Molecular consequence: synonymous variant.
Genome position (GRCh38, 1-based): chr5:128,335,482, G>A on the plus strand (C>T on the coding strand, the complement: FBN2 is on the minus strand). VCF-style: chr5-128335482-G-A. GRCh37 (hg19) VCF-style: chr5-127671174-G-A.
Identifiers: ClinVar variation 350774 (VCV000350774.20), dbSNP rs192602314, ClinGen allele CA3395134.